The following is an entry in ClinVar:

NM_002335.4(LRP5):c.3286G>A (p.Ala1096Thr)

Gene: LRP5 (LDL receptor related protein 5; plus strand). Cytogenetic location: 11q13.2.
Variant type: single nucleotide variant.
Coding change: c.3286G>A on transcript NM_002335.4 (MANE Select); coding-DNA position 3286, G replaced by A.
Protein change: p.Ala1096Thr; replaces alanine 1096 with threonine.
Molecular consequence: missense variant.
Genome position (GRCh38, 1-based): chr11:68,425,151, G>A. VCF-style: chr11-68425151-G-A. GRCh37 (hg19) VCF-style: chr11-68192619-G-A.
Other names: c.1543G>A, p.Ala515Thr (NM_001291902.2); c.3286G>A (NM_002335.3); short protein forms A515T, A1096T.
Identifiers: ClinVar variation 2977998 (VCV002977998.6), dbSNP rs189758820, ClinGen allele CA6149937.

ClinVar aggregate classification (germline): Uncertain significance. Review status: criteria provided, multiple submitters, no conflicts (2 of 4 stars). 4 submissions from 4 submitters: Uncertain significance (4). Last evaluated 2026-01-05.

Conditions:
Worth disease. Also called: Autosomal dominant osteosclerosis, Worth type; OSTEOSCLEROSIS, AUTOSOMAL DOMINANT; ENDOSTEAL HYPEROSTOSIS, AUTOSOMAL DOMINANT. Identifiers: Orphanet 2790, MedGen C0432273, MONDO:0007764, OMIM 144750.
Autosomal dominant osteopetrosis 1 (OPTA1). Also called: OSTEOPETROSIS, AUTOSOMAL DOMINANT, TYPE I. Identifiers: Orphanet 2783, MedGen C1843330, MONDO:0011877, OMIM 607634.
Polycystic liver disease 4 with or without kidney cysts. Identifiers: MedGen C4693479, MONDO:0044327, OMIM 617875.
Bone mineral density quantitative trait locus 1 (BMND1). Identifiers: MedGen C1866079, OMIM 601884.
Exudative vitreoretinopathy 4 (EVR4). Identifiers: Orphanet 891, MedGen C1866176, MONDO:0011151, OMIM 601813.
Osteoporosis with pseudoglioma (OPPG). Also called: osteoporosis-pseudoglioma syndrome. Identifiers: Orphanet 2788, MedGen C0432252, MONDO:0009820, OMIM 259770.
LRP5-related disorder. Also called: LRP5-related condition.

Allele frequency attached by ClinVar (database versions not stated): ExAC 0.00002; TOPMed 0.00002; gnomAD 0.00003; gnomAD exomes 0.00010; 1000 Genomes Project 30x 0.00016; 1000 Genomes Project 0.00020.
gnomAD v4.1: 143 of 1,613,812 alleles (0.0089%); highest among the groups gnomAD compares: Non-Finnish European, 0.011%; 1 homozygote.

Submissions (4):

Labcorp Genetics (formerly Invitae), Labcorp
Classification: Uncertain significance. Last evaluated: 2026-01-05. Review status: criteria provided, single submitter. Criteria: Invitae Variant Classification Sherloc (09022015). Collection method: clinical testing. Allele origin: germline.
Comment: This sequence change replaces alanine, which is neutral and non-polar, with threonine, which is neutral and polar, at codon 1096 of the LRP5 protein (p.Ala1096Thr). This variant is present in population databases (rs189758820, gnomAD 0.01%). This variant has not been reported in the literature in individuals affected with LRP5-related conditions. ClinVar contains an entry for this variant (Variation ID: 2977998). An algorithm developed to predict the effect of missense changes on protein structure and function outputs the following: PolyPhen-2: "Benign". The threonine amino acid residue is found in multiple mammalian species, which suggests that this missense change does not adversely affect protein function. In summary, the available evidence is currently insufficient to determine the role of this variant in disease. Therefore, it has been classified as a Variant of Uncertain Significance.

PreventionGenetics, part of Exact Sciences
Classification: Uncertain significance for LRP5-related condition. Last evaluated: 2025-11-11. Review status: criteria provided, single submitter. Criteria: ACMG Guidelines, 2015. Collection method: clinical testing. Allele origin: germline.
Comment: The LRP5 c.3286G>A variant is predicted to result in the amino acid substitution p.Ala1096Thr. To our knowledge, this variant has not been reported in the literature. This variant is present in 0.012% of alleles in individuals of African descent in gnomAD. At this time, the clinical significance of this variant is uncertain due to the absence of conclusive functional and genetic evidence.

Fulgent Genetics
Classification: Uncertain significance for Worth disease; Osteoporosis with pseudoglioma; Exudative vitreoretinopathy 4; Bone mineral density quantitative trait locus 1; Autosomal dominant osteopetrosis 1; Polycystic liver disease 4 with or without kidney cysts. Last evaluated: 2024-05-03. Review status: criteria provided, single submitter. Criteria: ACMG Guidelines, 2015. Collection method: clinical testing. Allele origin: germline.

Blueprint Genetics
Classification: Uncertain significance. Last evaluated: 2023-11-22. Review status: criteria provided, single submitter. Criteria: ACMG Guidelines, 2015. Collection method: clinical testing. Allele origin: germline.